The following is an entry in ClinVar:

ClinVar aggregate classification (germline): Uncertain significance (1 of 4 stars; one submission).

Conditions:
TBX3-related disorder. Also called: TBX3-related condition.

Submission:

PreventionGenetics, part of Exact Sciences
Classification: Uncertain significance for TBX3-related condition. Last evaluated: 2024-11-15. Review status: criteria provided, single submitter. Criteria: ACMG Guidelines, 2015. Collection method: clinical testing. Allele origin: germline.
Comment: The TBX3 c.527C>T variant is predicted to result in the amino acid substitution p.Ala176Val. To our knowledge, this variant has not been reported in the literature or in a large population database (gnomAD), indicating this variant is rare. At this time, the clinical significance of this variant is uncertain due to the absence of conclusive functional and genetic evidence.

NM_005996.4(TBX3):c.527C>T (p.Ala176Val)

Gene: TBX3 (T-box transcription factor 3; minus strand). Cytogenetic location: 12q24.21.
Variant type: single nucleotide variant.
Coding change: c.527C>T on transcript NM_005996.4 (MANE Select); coding-DNA position 527, C replaced by T.
Protein change: p.Ala176Val; replaces alanine 176 with valine.
Molecular consequence: missense variant.
Genome position (GRCh38, 1-based): chr12:114,681,009, G>A on the plus strand (C>T on the coding strand, the complement: TBX3 is on the minus strand). VCF-style: chr12-114681009-G-A. GRCh37 (hg19) VCF-style: chr12-115118814-G-A.
Other names: c.527C>T, p.Ala176Val (NM_016569.4); short protein forms A176V.
Identifiers: ClinVar variation 4997604 (VCV004997604.1).
Genomic context (GRCh38, chr12:114,681,009, plus strand): 5'-TGTTCCCCAGTAGCGGGGCTGTCCGGGTGAATGTACATCCTCTTTGGCATTTCGGGGTCG[G>A]CCTTACCAGCCACCATCCACCGAGAATTGTGAAATTTATAACGACAGTCATCAGCAGCTA-3'
Protein context (NP_005987.3, residues 166-186): HNSRWMVAGK[Ala176Val]DPEMPKRMYI